The following is an entry in ClinVar:

ClinVar aggregate classification (germline): Uncertain significance (1 of 4 stars; one submission).

Conditions:
Aicardi-Goutieres syndrome 6 (AGS6). Identifiers: Orphanet 51, MedGen C3539013, MONDO:0014007, OMIM 615010.
Symmetrical dyschromatosis of extremities (DSH). Also called: DYSCHROMATOSIS SYMMETRICA HEREDITARIA 1; RETICULATE ACROPIGMENTATION OF DOHI; SYMMETRIC DYSCHROMATOSIS OF THE EXTREMITIES; Dyschromatosis symmetrica hereditaria. Identifiers: Orphanet 41, MedGen C0406775, MONDO:0007483, OMIM 127400.

gnomAD v4.1: 7 of 1,614,182 alleles (0.00043%); highest among the groups gnomAD compares: Non-Finnish European, 0.00059%; no homozygotes.

Submission:

Labcorp Genetics (formerly Invitae), Labcorp
Classification: Uncertain significance for Aicardi-Goutieres syndrome 6; Symmetrical dyschromatosis of extremities. Last evaluated: 2025-08-15. Review status: criteria provided, single submitter. Criteria: Invitae Variant Classification Sherloc (09022015). Collection method: clinical testing. Allele origin: germline.
Comment: This sequence change replaces glutamine, which is neutral and polar, with lysine, which is basic and polar, at codon 141 of the ADAR protein (p.Gln141Lys). This variant is not present in population databases (gnomAD no frequency). This variant has not been reported in the literature in individuals affected with ADAR-related conditions. An algorithm developed to predict the effect of missense changes on protein structure and function (PolyPhen-2) suggests that this variant is likely to be disruptive. In summary, the available evidence is currently insufficient to determine the role of this variant in disease. Therefore, it has been classified as a Variant of Uncertain Significance.

NM_001111.5(ADAR):c.421C>A (p.Gln141Lys)

Gene: ADAR (adenosine deaminase RNA specific; minus strand). Cytogenetic location: 1q21.3.
Variant type: single nucleotide variant.
Coding change: c.421C>A on transcript NM_001111.5 (MANE Select); coding-DNA position 421, C replaced by A.
Protein change: p.Gln141Lys; replaces glutamine 141 with lysine.
Molecular consequence: missense variant. On other transcripts: 5 prime UTR variant (6).
Genome position (GRCh38, 1-based): chr1:154,602,221, G>T on the plus strand (C>A on the coding strand, the complement: ADAR is on the minus strand). VCF-style: chr1-154602221-G-T. GRCh37 (hg19) VCF-style: chr1-154574697-G-T.
Other names: c.-465C>A (NM_001025107.3, NM_001193495.2, NM_001365046.1 and 3 more transcripts); c.448C>A, p.Gln150Lys (NM_001365045.1); c.421C>A, p.Gln141Lys (NM_015840.4, NM_015841.4); short protein forms Q141K, Q150K.
Identifiers: ClinVar variation 4790488 (VCV004790488.1).